The following is an entry in ClinVar:

NM_020297.4(ABCC9):c.2198+7A>G

Gene: ABCC9 (ATP binding cassette subfamily C member 9; minus strand). Cytogenetic location: 12p12.1.
Variant type: single nucleotide variant.
Coding change: c.2198+7A>G on transcript NM_020297.4 (MANE Select); 7 bases into the intron after coding-DNA position 2198, A replaced by G.
Molecular consequence: intron variant.
Genome position (GRCh38, 1-based): chr12:21,872,618, T>C on the plus strand (A>G on the coding strand, the complement: ABCC9 is on the minus strand). VCF-style: chr12-21872618-T-C. GRCh37 (hg19) VCF-style: chr12-22025552-T-C.
Other names: p.?; c.1334+7A>G (NM_001377274.1); c.2198+7A>G (NM_005691.4, NM_001377273.1).
Identifiers: ClinVar variation 701738 (VCV000701738.10), dbSNP rs376649913, ClinGen allele CA6481477.

ClinVar aggregate classification (germline): Likely benign. Review status: criteria provided, multiple submitters, no conflicts (2 of 4 stars). 2 submissions from 2 submitters: Likely benign (2). Last evaluated 2025-04-09.

Conditions:
Dilated cardiomyopathy 1O (CMD1O). Also called: CARDIOMYOPATHY, DILATED, WITH VENTRICULAR TACHYCARDIA. Identifiers: Orphanet 154, MedGen C1837839, MONDO:0012062, OMIM 608569.

Allele frequency attached by ClinVar (database versions not stated): gnomAD below 0.00001 and 0.00001; TOPMed below 0.00001; gnomAD exomes 0.00002 and 0.00004; ExAC 0.00004; ESP Exome Variant Server 0.00008.
gnomAD v4.1: 32 of 1,606,000 alleles (0.002%); highest among the groups gnomAD compares: South Asian, 0.026%; no homozygotes.

Submissions (2):

Labcorp Genetics (formerly Invitae), Labcorp
Classification: Likely benign for Dilated cardiomyopathy 1O. Last evaluated: 2025-04-09. Review status: criteria provided, single submitter. Criteria: Invitae Variant Classification Sherloc (09022015). Collection method: clinical testing. Allele origin: germline.

Mayo Clinic Laboratories, Mayo Clinic
Classification: Likely benign. Last evaluated: 2025-01-02. Review status: criteria provided, single submitter. Criteria: ACMG Guidelines, 2015. Collection method: clinical testing. Allele origin: germline. Observed: 1 variant allele.
Comment: BP4, BP7